The following is an entry in ClinVar:

ClinVar aggregate classification (germline): Uncertain significance (1 of 4 stars; one submission).

Conditions:
Cystic fibrosis (CF). Also called: MUCOVISCIDOSIS. Identifiers: Orphanet 586, MedGen C0010674, MONDO:0009061, OMIM 219700. Disease mechanism: loss of function.

Submission:

Ambry Genetics
Classification: Uncertain significance for Cystic fibrosis. Last evaluated: 2022-10-05. Review status: criteria provided, single submitter. Criteria: Ambry Variant Classification Scheme 2023. Collection method: clinical testing. Allele origin: germline.
Comment: The p.I824M variant (also known as c.2472T>G), located in coding exon 14 of the CFTR gene, results from a T to G substitution at nucleotide position 2472. The isoleucine at codon 824 is replaced by methionine, an amino acid with highly similar properties. This amino acid position is conserved. In addition, the in silico prediction for this alteration is inconclusive. Since supporting evidence is limited at this time, the clinical significance of this alteration remains unclear.

NM_000492.4(CFTR):c.2472T>G (p.Ile824Met)

Gene: CFTR (CF transmembrane conductance regulator; plus strand). Cytogenetic location: 7q31.2.
Variant type: single nucleotide variant.
Coding change: c.2472T>G on transcript NM_000492.4 (MANE Select); coding-DNA position 2472, T replaced by G.
Protein change: p.Ile824Met; replaces isoleucine 824 with methionine.
Molecular consequence: missense variant.
Genome position (GRCh38, 1-based): chr7:117,592,639, T>G. VCF-style: chr7-117592639-T-G. GRCh37 (hg19) VCF-style: chr7-117232693-T-G.
Other names: short protein forms I824M.
Identifiers: ClinVar variation 1791803 (VCV001791803.2), dbSNP rs1360465255, ClinGen allele CA368981570.